The following is an entry in ClinVar:

NM_198253.3(TERT):c.2775C>A (p.His925Gln)

Gene: TERT (telomerase reverse transcriptase; minus strand). Cytogenetic location: 5p15.33.
Variant type: single nucleotide variant.
Coding change: c.2775C>A on transcript NM_198253.3 (MANE Select); coding-DNA position 2775, C replaced by A.
Protein change: p.His925Gln; replaces histidine 925 with glutamine.
Molecular consequence: missense variant. On other transcripts: intron variant (1).
Genome position (GRCh38, 1-based): chr5:1,264,472, G>T on the plus strand (C>A on the coding strand, the complement: TERT is on the minus strand). VCF-style: chr5-1264472-G-T. GRCh37 (hg19) VCF-style: chr5-1264587-G-T.
Other names: p.His925Gln; c.2654+1992C>A (NM_001193376.3); short protein forms H925Q.
Identifiers: ClinVar variation 539210 (VCV000539210.39), dbSNP rs34528119, ClinGen allele CA3184399.

ClinVar aggregate classification (germline): Uncertain significance. Review status: criteria provided, multiple submitters, no conflicts (2 of 4 stars). 5 submissions from 5 submitters: Uncertain significance (4). 1 of the submissions does not count toward it. Last evaluated 2025-02-12.

Conditions:
Pulmonary fibrosis. Identifiers: MedGen C0034069, MONDO:0002771, HP:0002206.
Dyskeratosis congenita. Identifiers: Orphanet 1775, MedGen C0265965, MONDO:0015780.
Dyskeratosis congenita, autosomal dominant 2. Identifiers: MedGen C3151443, MONDO:0013521, OMIM 613989.
Idiopathic Pulmonary Fibrosis. Also called: Idiopathic fibrosing alveolitis, chronic form; idiopathic fibrosing alveolitis. Identifiers: Orphanet 2032, MedGen C1800706, MeSH D054990, MONDO:0800504.

Allele frequency attached by ClinVar (database versions not stated): TOPMed 0.00002.
gnomAD v4.1: 2 of 1,613,740 alleles (0.00012%); highest among the groups gnomAD compares: Non-Finnish European, 0.00017%; no homozygotes.

Submissions (5):

Ambry Genetics
Classification: Uncertain significance for Dyskeratosis congenita. Last evaluated: 2025-02-12. Review status: criteria provided, single submitter. Criteria: Ambry Variant Classification Scheme 2023. Collection method: clinical testing. Allele origin: germline.
Comment: The p.H925Q variant (also known as c.2775C>A), located in coding exon 11 of the TERT gene, results from a C to A substitution at nucleotide position 2775. The histidine at codon 925 is replaced by glutamine, an amino acid with highly similar properties. This variant was reported in individual(s) with features consistent with TERT-related disorder (Diaz de Leon A et al. PLoS One, 2010 May;5:e10680; Newton CA et al. Eur Respir J, 2016 Dec;48:1710-1720). Functional studies suggest that the variant results in reduced telomerase activity; however, the clinical relevance of this finding is unclear (Diaz de Leon A et al. PLoS One, 2010 May;5:e10680; Stanley SE et al. J Clin Invest, 2015 Feb;125:563-70). This amino acid position is well conserved in available vertebrate species. In addition, this alteration is predicted to be deleterious by in silico analysis. Based on the available evidence, the clinical significance of this variant remains unclear.

Labcorp Genetics (formerly Invitae), Labcorp
Classification: Uncertain significance for Dyskeratosis congenita, autosomal dominant 2; Idiopathic Pulmonary Fibrosis. Last evaluated: 2024-11-05. Review status: criteria provided, single submitter. Criteria: Invitae Variant Classification Sherloc (09022015). Collection method: clinical testing. Allele origin: germline.
Comment: This sequence change replaces histidine, which is basic and polar, with glutamine, which is neutral and polar, at codon 925 of the TERT protein (p.His925Gln). This variant is present in population databases (rs34528119, gnomAD 0.0009%). This missense change has been observed in individual(s) with chronic obstructive pulmonary disease (COPD) and/or pulmonary fibrosis (PMID: 20502709, 25562321). ClinVar contains an entry for this variant (Variation ID: 539210). Invitae Evidence Modeling of protein sequence and biophysical properties (such as structural, functional, and spatial information, amino acid conservation, physicochemical variation, residue mobility, and thermodynamic stability) indicates that this missense variant is expected to disrupt TERT protein function with a positive predictive value of 95%. Experimental studies have shown that this missense change affects TERT function (PMID: 20502709, 25562321). In summary, the available evidence is currently insufficient to determine the role of this variant in disease. Therefore, it has been classified as a Variant of Uncertain Significance.

Baylor Genetics
Classification: Uncertain significance for Dyskeratosis congenita, autosomal dominant 2. Last evaluated: 2024-02-20. Review status: criteria provided, single submitter. Criteria: ACMG Guidelines, 2015. Collection method: clinical testing. Allele origin: unknown.

GeneDx
Classification: Uncertain significance. Last evaluated: 2024-02-16. Review status: criteria provided, single submitter. Criteria: GeneDx Variant Classification Process June 2021. Collection method: clinical testing. Allele origin: germline. Affected: yes.
Comment: Not observed at significant frequency in large population cohorts (gnomAD); In silico analysis supports that this missense variant has a deleterious effect on protein structure/function; This variant is associated with the following publications: (PMID: 20502709, 25562321)

Garcia Pulmonary Genetics Research Laboratory, Columbia University Irving Medical Center
Classification: Likely risk allele for Pulmonary fibrosis. Last evaluated: 2022-06-09. Review status: no assertion criteria provided. Collection method: research. Allele origin: germline. Affected: yes. Not counted in ClinVar's aggregate classification.

Literature cited by the submitters: PubMed 20502709 (cited by Ambry Genetics and Labcorp Genetics (formerly Invitae), Labcorp); PubMed 25562321 (cited by Ambry Genetics and Labcorp Genetics (formerly Invitae), Labcorp); PubMed 27540018 (cited by Ambry Genetics).